The following is an entry in ClinVar:

ClinVar aggregate classification (germline): Conflicting classifications of pathogenicity. Review status: criteria provided, conflicting classifications (1 of 4 stars). 3 submissions from 3 submitters: Uncertain significance (2); Benign (1). Last evaluated 2024-01-30.

Conditions:
Choanal atresia-athelia-hypothyroidism-delayed puberty-short stature syndrome (BCAHH). Also called: BRANCHIAL ARCH ABNORMALITIES, CHOANAL ATRESIA, ATHELIA, HEARING LOSS, AND HYPOTHYROIDISM SYNDROME. Identifiers: Orphanet 589856, MedGen C5680310, MONDO:0035651, OMIM 620186.
Kabuki syndrome 1 (KABUK1). Also called: KMT2D-Related Kabuki Syndrome. Identifiers: Orphanet 2322, MedGen CN030661, MONDO:0007843, OMIM 147920.
Kabuki syndrome. Also called: NIIKAWA-KUROKI SYNDROME; Kabuki make-up syndrome. Identifiers: Orphanet 2322, MedGen C0796004, MONDO:0016512.

Allele frequency attached by ClinVar (database versions not stated): gnomAD 0.00001 and 0.00002; gnomAD exomes 0.00001 and 0.00002; TOPMed 0.00001; ExAC 0.00002; 1000 Genomes Project 30x 0.00016; 1000 Genomes Project 0.00020.
gnomAD v4.1: 13 of 1,613,882 alleles (0.00081%); highest among the groups gnomAD compares: African/African-American, 0.0093%; no homozygotes.

Submissions (3):

Fulgent Genetics
Classification: Uncertain significance for Kabuki syndrome 1; Choanal atresia-athelia-hypothyroidism-delayed puberty-short stature syndrome. Last evaluated: 2024-01-30. Review status: criteria provided, single submitter. Criteria: ACMG Guidelines, 2015. Collection method: clinical testing. Allele origin: germline.

GeneDx
Classification: Uncertain significance. Last evaluated: 2023-02-01. Review status: criteria provided, single submitter. Criteria: GeneDx Variant Classification Process June 2021. Collection method: clinical testing. Allele origin: germline. Affected: yes.
Comment: In silico analysis supports that this missense variant has a deleterious effect on protein structure/function; Has not been previously published as pathogenic or benign to our knowledge

Labcorp Genetics (formerly Invitae), Labcorp
Classification: Benign for Kabuki syndrome. Last evaluated: 2022-11-17. Review status: criteria provided, single submitter. Criteria: Invitae Variant Classification Sherloc (09022015). Collection method: clinical testing. Allele origin: germline.

NM_003482.4(KMT2D):c.7724C>T (p.Pro2575Leu)

Gene: KMT2D (lysine methyltransferase 2D; minus strand). Cytogenetic location: 12q13.12.
Variant type: single nucleotide variant.
Coding change: c.7724C>T on transcript NM_003482.4 (MANE Select); coding-DNA position 7724, C replaced by T.
Protein change: p.Pro2575Leu; replaces proline 2575 with leucine.
Molecular consequence: missense variant.
Genome position (GRCh38, 1-based): chr12:49,040,046, G>A on the plus strand (C>T on the coding strand, the complement: KMT2D is on the minus strand). VCF-style: chr12-49040046-G-A. GRCh37 (hg19) VCF-style: chr12-49433829-G-A.
Other names: short protein forms P2575L.
Identifiers: ClinVar variation 1691600 (VCV001691600.7), dbSNP rs533854462, ClinGen allele CA6547002.